The following is an entry in ClinVar:

ClinVar aggregate classification (germline): Benign (0 of 4 stars; one submission).

Conditions:
PPP2R3A-related disorder. Also called: PPP2R3A-related condition.

Allele frequency attached by ClinVar (database versions not stated): 1000 Genomes Project 0.17272; 1000 Genomes Project 30x 0.17552; TOPMed 0.24294; gnomAD 0.25408; ExAC 0.26620; ESP Exome Variant Server 0.26746; gnomAD exomes 0.30357.
gnomAD v4.1: 481,509 of 1,613,444 alleles (30%); highest among the groups gnomAD compares: Non-Finnish European, 32%; 75,959 homozygotes.

Submission:

PreventionGenetics, part of Exact Sciences
Classification: Benign for PPP2R3A-related condition. Last evaluated: 2020-07-02. Review status: no assertion criteria provided. Collection method: clinical testing. Allele origin: germline.
Comment: This variant is classified as benign based on ACMG/AMP sequence variant interpretation guidelines (Richards et al. 2015 PMID: 25741868, with internal and published modifications).

NM_002718.5(PPP2R3A):c.1924A>G (p.Ser642Gly)

Gene: PPP2R3A (protein phosphatase 2 regulatory subunit B''alpha; plus strand). Cytogenetic location: 3q22.3.
Variant type: single nucleotide variant.
Coding change: c.1924A>G on transcript NM_002718.5 (MANE Select); coding-DNA position 1924, A replaced by G.
Protein change: p.Ser642Gly; replaces serine 642 with glycine.
Molecular consequence: missense variant. On other transcripts: intron variant (1).
Genome position (GRCh38, 1-based): chr3:136,003,422, A>G. VCF-style: chr3-136003422-A-G. GRCh37 (hg19) VCF-style: chr3-135722264-A-G.
Other names: c.-213-23410A>G (NM_001190447.2); short protein forms S642G.
Identifiers: ClinVar variation 3056776 (VCV003056776.2), dbSNP rs17197552, ClinGen allele CA2630657.